The following is an entry in ClinVar:

NM_021252.5(RAB18):c.-20C>T

Gene: RAB18 (RAB18, member RAS oncogene family; plus strand). Cytogenetic location: 10p12.1.
Variant type: single nucleotide variant.
Coding change: c.-20C>T on transcript NM_021252.5 (MANE Select); 20 bases upstream of the start codon, C replaced by T.
Molecular consequence: 5 prime UTR variant. On other transcripts: non-coding transcript variant (1).
Genome position (GRCh38, 1-based): chr10:27,504,350, C>T. VCF-style: chr10-27504350-C-T. GRCh37 (hg19) VCF-style: chr10-27793279-C-T.
Other names: c.-20C>T (NM_001256410.2, NM_001256411.2, NM_001256412.2).
Identifiers: ClinVar variation 299813 (VCV000299813.6), dbSNP rs74127323, ClinGen allele CA5452096.
Genomic context (GRCh38, chr10:27,504,350, plus strand): 5'-ATGCGCAGCAGCTCACTCTGCTGAAGGGCTGAGAGGCGCACCCGGGCGGCCAGCTGGGCT[C>T]GGAGCGGAACGGGGTCAGGATGGACGAGGACGTGCTAACCACCCTGAAGATCCTCATCAT-3'

ClinVar aggregate classification (germline): Benign/Likely benign. Review status: criteria provided, multiple submitters, no conflicts (2 of 4 stars). 3 submissions from 3 submitters: Benign (1); Likely benign (2). Last evaluated 2024-10-10.

Conditions:
Warburg micro syndrome 3 (WARBM3). Also called: MICRO SYNDROME 3. Identifiers: Orphanet 2510, MedGen C3280203, MONDO:0013638, OMIM 614222.

Allele frequency attached by ClinVar (database versions not stated): gnomAD exomes 0.00124; ExAC 0.00365; gnomAD 0.00413 and 0.00438; ESP Exome Variant Server 0.00417; TOPMed 0.00483; 1000 Genomes Project 0.00499; 1000 Genomes Project 30x 0.00593.
gnomAD v4.1: 1,380 of 1,568,688 alleles (0.088%); highest among the groups gnomAD compares: African/African-American, 1.5%; 4 homozygotes.

Submissions (3):

Blueprint Genetics
Classification: Likely benign. Last evaluated: 2024-10-10. Review status: criteria provided, single submitter. Criteria: ACMG Guidelines, 2015. Collection method: clinical testing. Allele origin: germline.

Illumina Laboratory Services, Illumina
Classification: Benign for Warburg micro syndrome 3. Last evaluated: 2018-01-13. Review status: criteria provided, single submitter. Criteria: ICSL Variant Classification Criteria 13 December 2019. Collection method: clinical testing. Allele origin: germline.
Comment: This variant was observed in the ICSL laboratory as part of a predisposition screen in an ostensibly healthy population. It had not been previously curated by ICSL or reported in the Human Gene Mutation Database (HGMD: prior to June 1st, 2018), and was therefore a candidate for classification through an automated scoring system. Utilizing variant allele frequency, disease prevalence and penetrance estimates, and inheritance mode, an automated score was calculated to assess if this variant is too frequent to cause the disease. Based on the score and internal cut-off values, a variant classified as benign is not then subjected to further curation. The score for this variant resulted in a classification of benign for this disease.

GeneDx
Classification: Likely benign. Last evaluated: 2017-09-11. Review status: criteria provided, single submitter. Criteria: GeneDx Variant Classification (06012015). Collection method: clinical testing. Allele origin: germline. Affected: yes.
Comment: This variant is considered likely benign or benign based on one or more of the following criteria: it is a conservative change, it occurs at a poorly conserved position in the protein, it is predicted to be benign by multiple in silico algorithms, and/or has population frequency not consistent with disease.